The following is an entry in ClinVar:

NM_032043.3(BRIP1):c.627+246C>A

Gene: BRIP1 (BRCA1 interacting DNA helicase 1; minus strand). Cytogenetic location: 17q23.2.
Variant type: single nucleotide variant.
Coding change: c.627+246C>A on transcript NM_032043.3 (MANE Select); 246 bases into the intron after coding-DNA position 627, C replaced by A.
Molecular consequence: intron variant.
Genome position (GRCh38, 1-based): chr17:61,846,855, G>T on the plus strand (C>A on the coding strand, the complement: BRIP1 is on the minus strand). VCF-style: chr17-61846855-G-T. GRCh37 (hg19) VCF-style: chr17-59924216-G-T.
Identifiers: ClinVar variation 670619 (VCV000670619.1), dbSNP rs114365025, ClinGen allele CA292277628.
Genomic context (GRCh38, chr17:61,846,855, plus strand): 5'-TAAGAATCCTGAAAGAACTGTAAGGAGTTGGAGAATTTACAAACATTAAAATACAGAACA[G>T]AAAAAAATGACTTTCAGATCTCTCTCTAGTCCAATTCTCTTATTTTATAAATAAGGAAAC-3'

ClinVar aggregate classification (germline): Likely benign (1 of 4 stars; one submission).

Allele frequency attached by ClinVar (database versions not stated): 1000 Genomes Project 30x 0.00515; 1000 Genomes Project 0.00559; gnomAD 0.00662 and 0.00720; TOPMed 0.00753.
gnomAD v4.1: 991 of 152,124 alleles (0.65%); highest among the groups gnomAD compares: African/African-American, 2.3%; 15 homozygotes.

Submission:

GeneDx
Classification: Likely benign. Last evaluated: 2018-06-12. Review status: criteria provided, single submitter. Criteria: GeneDx Variant Classification (06012015). Collection method: clinical testing. Allele origin: germline. Affected: yes.
Comment: This variant is considered likely benign or benign based on one or more of the following criteria: it is a conservative change, it occurs at a poorly conserved position in the protein, it is predicted to be benign by multiple in silico algorithms, and/or has population frequency not consistent with disease.